The following is an entry in ClinVar:

NM_004252.5(NHERF1):c.913A>G (p.Lys305Glu)

Gene: NHERF1 (NHERF family PDZ scaffold protein 1; plus strand). Cytogenetic location: 17q25.1.
Variant type: single nucleotide variant.
Coding change: c.913A>G on transcript NM_004252.5 (MANE Select); coding-DNA position 913, A replaced by G.
Protein change: p.Lys305Glu; replaces lysine 305 with glutamic acid.
Molecular consequence: missense variant.
Genome position (GRCh38, 1-based): chr17:74,768,492, A>G. VCF-style: chr17-74768492-A-G. GRCh37 (hg19) VCF-style: chr17-72764631-A-G.
Other names: c.913A>G (NM_004252.3); short protein forms K305E.
Identifiers: ClinVar variation 1494635 (VCV001494635.9), dbSNP rs938666218, ClinGen allele CA293947375.

ClinVar aggregate classification (germline): Uncertain significance. Review status: criteria provided, multiple submitters, no conflicts (2 of 4 stars). 3 submissions from 3 submitters: Uncertain significance (3). Last evaluated 2025-03-06.

Conditions:
Inborn genetic diseases. Identifiers: MedGen C0950123, MeSH D030342.
Hypophosphatemic nephrolithiasis/osteoporosis 2. Identifiers: Orphanet 244305, MedGen C2676782, MONDO:0012851, OMIM 612287.

Allele frequency attached by ClinVar (database versions not stated): gnomAD 0.00001.
gnomAD v4.1: 50 of 1,613,692 alleles (0.0031%); highest among the groups gnomAD compares: Non-Finnish European, 0.0041%; no homozygotes.

Submissions (3):

Ambry Genetics
Classification: Uncertain significance for Inborn genetic diseases. Last evaluated: 2025-03-06. Review status: criteria provided, single submitter. Criteria: Ambry Variant Classification Scheme 2023. Collection method: clinical testing. Allele origin: germline.

Fulgent Genetics
Classification: Uncertain significance for Hypophosphatemic nephrolithiasis/osteoporosis 2. Last evaluated: 2022-01-02. Review status: criteria provided, single submitter. Criteria: ACMG Guidelines, 2015. Collection method: clinical testing. Allele origin: unknown.

Labcorp Genetics (formerly Invitae), Labcorp
Classification: Uncertain significance. Last evaluated: 2021-04-24. Review status: criteria provided, single submitter. Criteria: Invitae Variant Classification Sherloc (09022015). Collection method: clinical testing. Allele origin: germline.
Comment: In summary, the available evidence is currently insufficient to determine the role of this variant in disease. Therefore, it has been classified as a Variant of Uncertain Significance. Algorithms developed to predict the effect of missense changes on protein structure and function (SIFT, PolyPhen-2, Align-GVGD) all suggest that this variant is likely to be tolerated, but these predictions have not been confirmed by published functional studies and their clinical significance is uncertain. This variant has not been reported in the literature in individuals with SLC9A3R1-related conditions. This variant is not present in population databases (ExAC no frequency). This sequence change replaces lysine with glutamic acid at codon 305 of the SLC9A3R1 protein (p.Lys305Glu). The lysine residue is moderately conserved and there is a small physicochemical difference between lysine and glutamic acid.